The following is an entry in ClinVar:

NM_000051.4(ATM):c.5435del (p.Ala1812fs)

Gene: ATM (ATM serine/threonine kinase; plus strand). Cytogenetic location: 11q22.3.
Variant type: Deletion.
Coding change: c.5435del on transcript NM_000051.4 (MANE Select); coding-DNA position 5435, one base deleted (C; older notation c.5435delC).
Protein change: p.Ala1812fs; shifts the reading frame from alanine 1812.
Molecular consequence: frameshift variant.
Genome position (GRCh38, 1-based): chr11:108,302,968, C deleted. VCF-style (leftmost placement, unchanged base first): chr11-108302967-GC-G. GRCh37 (hg19) VCF-style: chr11-108173694-GC-G.
Other names: c.5435del, p.Ala1812fs (NM_001351834.2); short protein forms A1812fs.
Identifiers: ClinVar variation 3663594 (VCV003663594.2).

ClinVar aggregate classification (germline): Pathogenic (1 of 4 stars; one submission).

Conditions:
Ataxia-telangiectasia syndrome (AT). Also called: LOUIS-BAR SYNDROME; Cerebello-oculocutaneous telangiectasia; Immunodeficiency with ataxia telangiectasia; ATAXIA-TELANGIECTASIA, COMPLEMENTATION GROUP A; ATAXIA-TELANGIECTASIA, FRESNO VARIANT; Ataxia-telangiectasia, complementation group D. Identifiers: Orphanet 100, MedGen C0004135, MONDO:0008840, OMIM 208900.

Submission:

Labcorp Genetics (formerly Invitae), Labcorp
Classification: Pathogenic for Ataxia-telangiectasia syndrome. Last evaluated: 2024-08-28. Review status: criteria provided, single submitter. Criteria: Invitae Variant Classification Sherloc (09022015). Collection method: clinical testing. Allele origin: germline.
Comment: This sequence change creates a premature translational stop signal (p.Ala1812Valfs*16) in the ATM gene. It is expected to result in an absent or disrupted protein product. Loss-of-function variants in ATM are known to be pathogenic (PMID: 23807571, 25614872). This variant is not present in population databases (gnomAD no frequency). This variant has not been reported in the literature in individuals affected with ATM-related conditions. For these reasons, this variant has been classified as Pathogenic.

Literature cited by the submitters: PubMed 23807571; PubMed 25614872.